The following is an entry in ClinVar:

ClinVar aggregate classification (germline): Conflicting classifications of pathogenicity. Review status: criteria provided, conflicting classifications (1 of 4 stars). 4 submissions from 4 submitters: Uncertain significance (2); Benign (1); Likely benign (1). Last evaluated 2025-12-02.

Conditions:
Primary ciliary dyskinesia. Also called: Ciliary dyskinesia. Identifiers: Orphanet 244, MedGen C0008780, MONDO:0016575, HP:0012265.

Allele frequency attached by ClinVar (database versions not stated): gnomAD exomes 0.00004 and 0.00007; ExAC 0.00007; 1000 Genomes Project 30x 0.00016; 1000 Genomes Project 0.00020; ESP Exome Variant Server 0.00025; gnomAD 0.00033 and 0.00037; TOPMed 0.00038.
gnomAD v4.1: 115 of 1,614,002 alleles (0.0071%); highest among the groups gnomAD compares: African/African-American, 0.14%; no homozygotes.

Submissions (4):

GeneDx
Classification: Uncertain significance. Last evaluated: 2025-12-02. Review status: criteria provided, single submitter. Criteria: GeneDx Variant Classification Process June 2021. Collection method: clinical testing. Allele origin: germline. Affected: yes.
Comment: In silico analysis supports that this missense variant has a deleterious effect on protein structure/function; Has not been previously published as pathogenic or benign to our knowledge

Labcorp Genetics (formerly Invitae), Labcorp
Classification: Benign for Primary ciliary dyskinesia. Last evaluated: 2025-11-11. Review status: criteria provided, single submitter. Criteria: Invitae Variant Classification Sherloc (09022015). Collection method: clinical testing. Allele origin: germline.

Ambry Genetics
Classification: Likely benign for Primary ciliary dyskinesia. Last evaluated: 2022-05-15. Review status: criteria provided, single submitter. Criteria: Ambry Variant Classification Scheme 2023. Collection method: clinical testing. Allele origin: germline.

UNC Molecular Genetics  Laboratory, University of North Carolina at Chapel Hill
Classification: Uncertain significance for Primary ciliary dyskinesia. Last evaluated: 2021-12-08. Review status: criteria provided, single submitter. Criteria: ACMG Guidelines, 2015. Collection method: clinical testing. Allele origin: germline. Observed: 1 heterozygote.

NM_001277115.2(DNAH11):c.11884G>A (p.Val3962Met)

Gene: DNAH11 (dynein axonemal heavy chain 11; plus strand). Cytogenetic location: 7p15.3.
Variant type: single nucleotide variant.
Coding change: c.11884G>A on transcript NM_001277115.2 (MANE Select); coding-DNA position 11884, G replaced by A.
Protein change: p.Val3962Met; replaces valine 3962 with methionine.
Molecular consequence: missense variant.
Genome position (GRCh38, 1-based): chr7:21,868,908, G>A. VCF-style: chr7-21868908-G-A. GRCh37 (hg19) VCF-style: chr7-21908526-G-A.
Other names: short protein forms V3962M.
Identifiers: ClinVar variation 1000679 (VCV001000679.14), dbSNP rs199719583, ClinGen allele CA4182910.
Genomic context (GRCh38, chr7:21,868,908, plus strand): 5'-GTGTATTCTCCCACAGGCAAAAGACTTGGCTTTACAATTGACTCTGGAAAATTCCACAAT[G>A]TGTCTTTAGGACAAGGTCAGGAGACGGTGGCAGAAGTGGCCCTGGAGAAAGCTTCCAAAG-3'
Protein context (NP_001264044.1, residues 3952-3972): FTIDSGKFHN[Val3962Met]SLGQGQETVA